The following is an entry in ClinVar:

NM_000093.5(COL5A1):c.4315C>T (p.Leu1439Phe)

Gene: COL5A1 (collagen type V alpha 1 chain; plus strand). Cytogenetic location: 9q34.3.
Variant type: single nucleotide variant.
Coding change: c.4315C>T on transcript NM_000093.5 (MANE Select); coding-DNA position 4315, C replaced by T.
Protein change: p.Leu1439Phe; replaces leucine 1439 with phenylalanine.
Molecular consequence: missense variant.
Genome position (GRCh38, 1-based): chr9:134,818,740, C>T. VCF-style: chr9-134818740-C-T. GRCh37 (hg19) VCF-style: chr9-137710586-C-T.
Other names: c.4315C>T, p.Leu1439Phe (NM_001278074.1); short protein forms L1439F.
Identifiers: ClinVar variation 1721511 (VCV001721511.6), dbSNP rs1429472282, ClinGen allele CA375457297.

ClinVar aggregate classification (germline): Uncertain significance (1 of 4 stars; one submission).

Conditions:
Ehlers-Danlos syndrome, classic type, 1 (EDSCL1). Also called: EDS I; Ehlers-Danlos syndrome, type 1; EHLERS-DANLOS SYNDROME, GRAVIS TYPE; EHLERS-DANLOS SYNDROME, SEVERE CLASSIC TYPE; Ehlers-Danlos Syndrome, Classic Type, COL5A1-Related. Identifiers: MedGen C0268335, MONDO:0019567, OMIM 130000.

Allele frequency attached by ClinVar (database versions not stated): gnomAD 0.00001.
gnomAD v4.1: 1 of 1,611,988 alleles (0.000062%); highest among the groups gnomAD compares: Non-Finnish European, 0.000085%; no homozygotes.

Submission:

Labcorp Genetics (formerly Invitae), Labcorp
Classification: Uncertain significance for Ehlers-Danlos syndrome, classic type, 1. Last evaluated: 2022-10-13. Review status: criteria provided, single submitter. Criteria: Invitae Variant Classification Sherloc (09022015). Collection method: clinical testing. Allele origin: germline.
Comment: In summary, the available evidence is currently insufficient to determine the role of this variant in disease. Therefore, it has been classified as a Variant of Uncertain Significance. Advanced modeling of protein sequence and biophysical properties (such as structural, functional, and spatial information, amino acid conservation, physicochemical variation, residue mobility, and thermodynamic stability) performed at Invitae indicates that this missense variant is expected to disrupt COL5A1 protein function. This variant has not been reported in the literature in individuals affected with COL5A1-related conditions. This variant is present in population databases (no rsID available, gnomAD 0.007%). This sequence change replaces leucine, which is neutral and non-polar, with phenylalanine, which is neutral and non-polar, at codon 1439 of the COL5A1 protein (p.Leu1439Phe).